The following is an entry in ClinVar:

NM_000789.4(ACE):c.22C>T (p.Arg8Trp)

Gene: ACE (angiotensin I converting enzyme; plus strand). Cytogenetic location: 17q23.3.
Variant type: single nucleotide variant.
Coding change: c.22C>T on transcript NM_000789.4 (MANE Select); coding-DNA position 22, C replaced by T.
Protein change: p.Arg8Trp; replaces arginine 8 with tryptophan.
Molecular consequence: missense variant.
Genome position (GRCh38, 1-based): chr17:63,477,116, C>T. VCF-style: chr17-63477116-C-T. GRCh37 (hg19) VCF-style: chr17-61554477-C-T.
Other names: short protein forms R8W.
Identifiers: ClinVar variation 890391 (VCV000890391.10), dbSNP rs1333116255, ClinGen allele CA400538245.

ClinVar aggregate classification (germline): Uncertain significance. Review status: criteria provided, multiple submitters, no conflicts (2 of 4 stars). 4 submissions from 4 submitters: Uncertain significance (4). Last evaluated 2024-03-16.

Conditions:
Microvascular complications of diabetes, susceptibility to, 3. Identifiers: MedGen C2675470, MONDO:0012963, OMIM 612624.
Hemorrhage, intracerebral, susceptibility to (ICH). Also called: Stroke, hemorrhagic, susceptibility to. Identifiers: MedGen C3281105, MONDO:0100533, OMIM 614519.
Renal tubular dysgenesis of genetic origin. Also called: PRIMITIVE RENAL TUBULE SYNDROME. Identifiers: Orphanet 97369, MedGen C5681536, MONDO:0009970, OMIM 267430.
Renal tubular dysgenesis. Also called: Renotubular dysgenesis. Identifiers: Orphanet 3033, MedGen C0266313, MONDO:0017609, HP:0008660.

Allele frequency attached by ClinVar (database versions not stated): gnomAD 0.00002; TOPMed 0.00003; gnomAD exomes 0.00008.
gnomAD v4.1: 10 of 1,334,986 alleles (0.00075%); highest among the groups gnomAD compares: Admixed American, 0.012%; no homozygotes.

Submissions (4):

Fulgent Genetics
Classification: Uncertain significance for Renal tubular dysgenesis of genetic origin; Microvascular complications of diabetes, susceptibility to, 3; Hemorrhage, intracerebral, susceptibility to. Last evaluated: 2024-03-16. Review status: criteria provided, single submitter. Criteria: ACMG Guidelines, 2015. Collection method: clinical testing. Allele origin: germline.

Labcorp Genetics (formerly Invitae), Labcorp
Classification: Uncertain significance. Last evaluated: 2022-05-03. Review status: criteria provided, single submitter. Criteria: Invitae Variant Classification Sherloc (09022015). Collection method: clinical testing. Allele origin: germline.
Comment: This sequence change replaces arginine, which is basic and polar, with tryptophan, which is neutral and slightly polar, at codon 8 of the ACE protein (p.Arg8Trp). This variant is present in population databases (no rsID available, gnomAD 0.1%). This variant has not been reported in the literature in individuals affected with ACE-related conditions. ClinVar contains an entry for this variant (Variation ID: 890391). Algorithms developed to predict the effect of missense changes on protein structure and function are either unavailable or do not agree on the potential impact of this missense change (SIFT: "Deleterious"; PolyPhen-2: "Benign"; Align-GVGD: "Class C0"). In summary, the available evidence is currently insufficient to determine the role of this variant in disease. Therefore, it has been classified as a Variant of Uncertain Significance.

Revvity Omics, Revvity
Classification: Uncertain significance. Last evaluated: 2019-06-22. Review status: criteria provided, single submitter. Criteria: ACMG Guidelines, 2015. Collection method: clinical testing. Allele origin: germline.

Illumina Laboratory Services, Illumina
Classification: Uncertain significance for Renal tubular dysgenesis of genetic origin. Last evaluated: 2017-04-28. Review status: criteria provided, single submitter. Criteria: ICSL Variant Classification Criteria 13 December 2019. Collection method: clinical testing. Allele origin: germline.